The following is an entry in ClinVar:

ClinVar aggregate classification (germline): Uncertain significance (1 of 4 stars; one submission).

Conditions:
INPP5E-related disorder. Also called: INPP5E-related condition.

Submission:

PreventionGenetics, part of Exact Sciences
Classification: Uncertain significance for INPP5E-related condition. Last evaluated: 2026-05-13. Review status: criteria provided, single submitter. Criteria: ACMG Guidelines, 2015. Collection method: clinical testing. Allele origin: germline.
Comment: The INPP5E c.304G>C variant is predicted to result in the amino acid substitution p.Asp102His. To our knowledge, this variant has not been reported in the literature or in a large population database (gnomAD), indicating this variant is rare. At this time, the clinical significance of this variant is uncertain due to the absence of conclusive functional and genetic evidence.

NM_019892.6(INPP5E):c.304G>C (p.Asp102His)

Gene: INPP5E (inositol polyphosphate-5-phosphatase E; minus strand). Cytogenetic location: 9q34.3.
Variant type: single nucleotide variant.
Coding change: c.304G>C on transcript NM_019892.6 (MANE Select); coding-DNA position 304, G replaced by C.
Protein change: p.Asp102His; replaces aspartic acid 102 with histidine.
Molecular consequence: missense variant.
Genome position (GRCh38, 1-based): chr9:136,439,116, C>G on the plus strand (G>C on the coding strand, the complement: INPP5E is on the minus strand). VCF-style: chr9-136439116-C-G. GRCh37 (hg19) VCF-style: chr9-139333568-C-G.
Other names: c.304G>C, p.Asp102His (NM_001318502.2); short protein forms D102H.
Identifiers: ClinVar variation 4994812 (VCV004994812.1).